The following is an entry in ClinVar:

ClinVar aggregate classification (germline): Uncertain significance (1 of 4 stars; one submission).

Conditions:
PLXNA2-related disorder. Also called: PLXNA2-related condition.

Submission:

PreventionGenetics, part of Exact Sciences
Classification: Uncertain significance for PLXNA2-related condition. Last evaluated: 2026-03-23. Review status: criteria provided, single submitter. Criteria: ACMG Guidelines, 2015. Collection method: clinical testing. Allele origin: germline.
Comment: The PLXNA2 c.3023C>A variant is predicted to result in premature protein termination (p.Ser1008*). To our knowledge, this variant has not been reported in the literature or in a large population database (gnomAD), indicating this variant is rare. Loss of function is not an established mechanism of PLXNA2-related disease. At this time, the clinical significance of this variant is uncertain due to the absence of conclusive functional and genetic evidence.

NM_025179.4(PLXNA2):c.3023C>A (p.Ser1008Ter)

Gene: PLXNA2 (plexin A2; minus strand). Cytogenetic location: 1q32.2.
Variant type: single nucleotide variant.
Coding change: c.3023C>A on transcript NM_025179.4 (MANE Select); coding-DNA position 3023, C replaced by A.
Protein change: p.Ser1008Ter; replaces serine 1008 with a stop codon.
Molecular consequence: nonsense.
Genome position (GRCh38, 1-based): chr1:208,051,394, G>T on the plus strand (C>A on the coding strand, the complement: PLXNA2 is on the minus strand). VCF-style: chr1-208051394-G-T. GRCh37 (hg19) VCF-style: chr1-208224739-G-T.
Other names: short protein forms S1008*.
Identifiers: ClinVar variation 4995462 (VCV004995462.1).